The following is an entry in ClinVar:

ClinVar aggregate classification (germline): Likely benign. Review status: criteria provided, single submitter (1 of 4 stars). 2 submissions from 2 submitters: Likely benign (1). 1 of the submissions does not count toward it. Last evaluated 2025-12-31.

Conditions:
FREM2-related disorder. Also called: FREM2-related condition.

Allele frequency attached by ClinVar (database versions not stated): gnomAD exomes 0.00006; ExAC 0.00002; gnomAD 0.00001; TOPMed 0.00002; ESP Exome Variant Server 0.00008.
gnomAD v4.1: 91 of 1,614,026 alleles (0.0056%); highest among the groups gnomAD compares: Non-Finnish European, 0.0073%; no homozygotes.

Submissions (2):

Labcorp Genetics (formerly Invitae), Labcorp
Classification: Likely benign. Last evaluated: 2025-12-31. Review status: criteria provided, single submitter. Criteria: Invitae Variant Classification Sherloc (09022015). Collection method: clinical testing. Allele origin: germline.

PreventionGenetics, part of Exact Sciences
Classification: Likely benign for FREM2-related condition. Last evaluated: 2024-08-22. Review status: no assertion criteria provided. Collection method: clinical testing. Allele origin: germline. Not counted in ClinVar's aggregate classification.
Comment: This variant is classified as likely benign based on ACMG/AMP sequence variant interpretation guidelines (Richards et al. 2015 PMID: 25741868, with internal and published modifications).

NM_207361.6(FREM2):c.3642T>C (p.Asn1214=)

Gene: FREM2 (FRAS1 related extracellular matrix 2; plus strand). Cytogenetic location: 13q13.3.
Variant type: single nucleotide variant.
Coding change: c.3642T>C on transcript NM_207361.6 (MANE Select); coding-DNA position 3642, T replaced by C.
Protein change: p.Asn1214=; no amino-acid change (asparagine 1214 retained).
Molecular consequence: synonymous variant.
Genome position (GRCh38, 1-based): chr13:38,690,986, T>C. VCF-style: chr13-38690986-T-C. GRCh37 (hg19) VCF-style: chr13-39265123-T-C.
Other names: c.3642T>C (NM_207361.5).
Identifiers: ClinVar variation 2884252 (VCV002884252.4), dbSNP rs374177294, ClinGen allele CA6954825.